The following is an entry in ClinVar:

ClinVar aggregate classification (germline): Uncertain significance (1 of 4 stars; one submission).

gnomAD v4.1: 6 of 1,614,138 alleles (0.00037%); highest among the groups gnomAD compares: Admixed American, 0.0017%; no homozygotes.

Submission:

Women's Health and Genetics/Laboratory Corporation of America, LabCorp
Classification: Uncertain significance. Last evaluated: 2025-01-02. Review status: criteria provided, single submitter. Criteria: LabCorp Variant Classification Summary - May 2015. Collection method: clinical testing. Allele origin: germline.
Comment: Variant summary: PANK2 c.1192G>A (p.Ala398Thr) results in a non-conservative amino acid change in the encoded protein sequence. Three of five in-silico tools predict a damaging effect of the variant on protein function. The variant allele was found at a frequency of 8e-06 in 251348 control chromosomes. The available data on variant occurrences in the general population are insufficient to allow any conclusion about variant significance. c.1192G>A has been reported in the literature as heterozygous genotype without a second allele change identified in an individual affected with Pantothenate Kinase-Associated Neurodegeneration (Hayflick_2003). These report(s) do not provide unequivocal conclusions about association of the variant with Pantothenate Kinase-Associated Neurodegeneration. To our knowledge, no experimental evidence demonstrating an impact on protein function has been reported. The following publication have been ascertained in the context of this evaluation (PMID: 12510040). No submitters have cited clinical-significance assessments for this variant to ClinVar. Based on the evidence outlined above, the variant was classified as uncertain significance.

Literature cited by the submitters: PubMed 12510040.

NM_001386393.1(PANK2):c.862G>A (p.Ala288Thr)

Gene: PANK2 (pantothenate kinase 2; plus strand). Cytogenetic location: 20p13.
Variant type: single nucleotide variant.
Coding change: c.862G>A on transcript NM_001386393.1 (MANE Select); coding-DNA position 862, G replaced by A.
Protein change: p.Ala288Thr; replaces alanine 288 with threonine.
Molecular consequence: missense variant. On other transcripts: 5 prime UTR variant (1), non-coding transcript variant (1).
Genome position (GRCh38, 1-based): chr20:3,910,787, G>A. VCF-style: chr20-3910787-G-A. GRCh37 (hg19) VCF-style: chr20-3891434-G-A.
Other names: c.319G>A, p.Ala107Thr (NM_001324191.2, NM_024960.6, NM_153640.4); c.-117G>A (NM_001324193.2); c.1192G>A, p.Ala398Thr (NM_153638.4); short protein forms A107T, A288T, A398T.
Identifiers: ClinVar variation 3769318 (VCV003769318.2).